The following is an entry in ClinVar:

NM_004999.4(MYO6):c.166A>G (p.Lys56Glu)

Gene: MYO6 (myosin VI; plus strand). Cytogenetic location: 6q14.1.
Variant type: single nucleotide variant.
Coding change: c.166A>G on transcript NM_004999.4 (MANE Select); coding-DNA position 166, A replaced by G.
Protein change: p.Lys56Glu; replaces lysine 56 with glutamic acid.
Molecular consequence: missense variant. On other transcripts: non-coding transcript variant (2).
Genome position (GRCh38, 1-based): chr6:75,822,830, A>G. VCF-style: chr6-75822830-A-G. GRCh37 (hg19) VCF-style: chr6-76532547-A-G.
Other names: c.166A>G, p.Lys56Glu (NM_001300899.2, NM_001368136.1, NM_001368137.1 and 5 more transcripts); short protein forms K56E.
Identifiers: ClinVar variation 1321569 (VCV001321569.2), dbSNP rs1344780366, ClinGen allele CA364763777.

ClinVar aggregate classification (germline): Uncertain significance (1 of 4 stars; one submission).

Allele frequency attached by ClinVar (database versions not stated): gnomAD exomes below 0.00001.
gnomAD v4.1: 3 of 1,612,820 alleles (0.00019%); highest among the groups gnomAD compares: Non-Finnish European, 0.00025%; no homozygotes.

Submission:

GeneDx
Classification: Uncertain significance. Last evaluated: 2021-05-13. Review status: criteria provided, single submitter. Criteria: GeneDx Variant Classification Process June 2021. Collection method: clinical testing. Allele origin: germline. Affected: yes.
Comment: Not observed at a significant frequency in large population cohorts (Lek et al., 2016); In silico analysis supports that this missense variant does not alter protein structure/function; Has not been previously published as pathogenic or benign to our knowledge